The following is an entry in ClinVar:

NM_153006.3(NAGS):c.1451+211G>C

Gene: NAGS (N-acetylglutamate synthase; plus strand). Cytogenetic location: 17q21.31.
Variant type: single nucleotide variant.
Coding change: c.1451+211G>C on transcript NM_153006.3 (MANE Select); 211 bases into the intron after coding-DNA position 1451, G replaced by C.
Molecular consequence: intron variant.
Genome position (GRCh38, 1-based): chr17:44,007,984, G>C. VCF-style: chr17-44007984-G-C. GRCh37 (hg19) VCF-style: chr17-42085352-G-C.
Identifiers: ClinVar variation 680676 (VCV000680676.1), dbSNP rs170639, ClinGen allele CA14421451.

ClinVar aggregate classification (germline): Benign (1 of 4 stars; one submission).

Allele frequency attached by ClinVar (database versions not stated): gnomAD 0.91987 and 0.92430; TOPMed 0.92122; 1000 Genomes Project 30x 0.94129; 1000 Genomes Project 0.94748.
gnomAD v4.1: 140,649 of 152,142 alleles (92%); highest among the groups gnomAD compares: East Asian, 100%; 65,166 homozygotes.

Submission:

GeneDx
Classification: Benign. Last evaluated: 2018-06-14. Review status: criteria provided, single submitter. Criteria: GeneDx Variant Classification (06012015). Collection method: clinical testing. Allele origin: germline. Affected: yes.
Comment: This variant is considered likely benign or benign based on one or more of the following criteria: it is a conservative change, it occurs at a poorly conserved position in the protein, it is predicted to be benign by multiple in silico algorithms, and/or has population frequency not consistent with disease.